The following is an entry in ClinVar:

ClinVar aggregate classification (germline): Likely pathogenic (1 of 4 stars; one submission).

Conditions:
Sulfite oxidase deficiency due to molybdenum cofactor deficiency type C. Also called: Molybdenum cofactor deficiency, complementation group C; Molybdenum cofactor deficiency C. Identifiers: Orphanet 308400, Orphanet 833, MedGen C1854990, MONDO:0014212, OMIM 615501.

Submission:

New York Genome Center
Classification: Likely pathogenic for Sulfite oxidase deficiency due to molybdenum cofactor deficiency type C. Last evaluated: 2020-03-26. Review status: criteria provided, single submitter. Criteria: NYGC Assertion Criteria 2020. Collection method: clinical testing. Allele origin: de novo. Observed: 1 heterozygote. Study: CSER-NYCKidSeq.
Comment: The c.1293+2T>G variant identified in the GPHN gene is a canonical splice variant within intron 13/22. The Thymine nucleotide at this position is completely conserved across vertebrate species. The c.1293+2T>G variant in the GPHN gene is absent from gnomAD suggesting it is not a common benign variant in the populations represented in this database. This variant is absent from ClinVar and to our current knowledge has not been reported in affected individuals in the literature. The c.1293+2T>G variant identified in the GPHN gene, it is reported here as Likely Pathogenic.

NM_020806.5(GPHN):c.1293+2T>G

Gene: GPHN (gephyrin; plus strand). Cytogenetic location: 14q23.3.
Variant type: single nucleotide variant.
Coding change: c.1293+2T>G on transcript NM_020806.5 (MANE Select); the canonical splice donor site of the intron after coding-DNA position 1293, T replaced by G.
Molecular consequence: splice donor variant.
Genome position (GRCh38, 1-based): chr14:67,100,913, T>G. VCF-style: chr14-67100913-T-G. GRCh37 (hg19) VCF-style: chr14-67567630-T-G.
Other names: c.1353+2T>G (NM_001377514.1); c.1233+2T>G (NM_001377519.1); c.1323+2T>G (NM_001377515.1); c.1314+2T>G (NM_001377516.1); c.1251+2T>G (NM_001377518.1); c.1266+2T>G (NM_001377517.1); c.1194+2T>G (NM_001024218.2).
Identifiers: ClinVar variation 983356 (VCV000983356.2), dbSNP rs2077665118, ClinGen allele CA390257779.
Genomic context (GRCh38, chr14:67,100,913, plus strand): 5'-CAGCTGCTGATGGCCCAGGAGATCGTTTCATCATTGGGGAATCCCAAGCTGGTGAACAGG[T>G]GAGATTGATAGGCCTGAAAGGCACTGAAGATTTCAGCTTCATGGACTTTGGGCATCTAAT-3'